The following is an entry in ClinVar:

ClinVar aggregate classification (germline): Uncertain significance. Review status: criteria provided, multiple submitters, no conflicts (2 of 4 stars). 3 submissions from 3 submitters: Uncertain significance (3). Last evaluated 2026-01-26.

Conditions:
Ataxia-telangiectasia-like disorder (ATLD). Identifiers: MedGen C1858391, MONDO:0011457.
Hereditary cancer-predisposing syndrome. Also called: Neoplastic Syndromes, Hereditary; Tumor predisposition; Hereditary Cancer Syndrome; Hereditary neoplastic syndrome. Identifiers: Orphanet 140162, MedGen C0027672, MeSH D009386, MONDO:0015356.

Allele frequency attached by ClinVar (database versions not stated): gnomAD exomes below 0.00001; gnomAD 0.00001; TOPMed 0.00002.
gnomAD v4.1: 3 of 1,613,724 alleles (0.00019%); highest among the groups gnomAD compares: African/African-American, 0.004%; no homozygotes.

Submissions (3):

Women's Health and Genetics/Laboratory Corporation of America, LabCorp
Classification: Uncertain significance. Last evaluated: 2026-01-26. Review status: criteria provided, single submitter. Criteria: LabCorp Variant Classification Summary - May 2015. Collection method: clinical testing. Allele origin: germline.
Comment: Variant summary: MRE11 c.1280T>C (p.Leu427Ser) results in a non-conservative amino acid change in the encoded protein sequence. Algorithms developed to predict the effect of missense changes on protein structure and function are either unavailable or do not agree on the potential impact of this missense change. The variant allele was found at a frequency of 1.9e-06 in 1613724 control chromosomes. The available data on variant occurrences in the general population are insufficient to allow any conclusion about variant significance. To our knowledge, no occurrence of c.1280T>C in individuals affected with MRE11-related conditions and no experimental evidence demonstrating its impact on protein function have been reported. ClinVar contains an entry for this variant (Variation ID: 187070). Based on the evidence outlined above, the variant was classified as uncertain significance.

Labcorp Genetics (formerly Invitae), Labcorp
Classification: Uncertain significance for Ataxia-telangiectasia-like disorder. Last evaluated: 2022-08-03. Review status: criteria provided, single submitter. Criteria: Invitae Variant Classification Sherloc (09022015). Collection method: clinical testing. Allele origin: germline.
Comment: This sequence change replaces leucine, which is neutral and non-polar, with serine, which is neutral and polar, at codon 427 of the MRE11 protein (p.Leu427Ser). This variant is present in population databases (rs786203449, gnomAD 0.008%). This variant has not been reported in the literature in individuals affected with MRE11-related conditions. ClinVar contains an entry for this variant (Variation ID: 187070). Algorithms developed to predict the effect of missense changes on protein structure and function are either unavailable or do not agree on the potential impact of this missense change (SIFT: "Deleterious"; PolyPhen-2: "Benign"; Align-GVGD: "Class C0"). In summary, the available evidence is currently insufficient to determine the role of this variant in disease. Therefore, it has been classified as a Variant of Uncertain Significance.

Ambry Genetics
Classification: Uncertain significance for Hereditary cancer-predisposing syndrome. Last evaluated: 2021-05-14. Review status: criteria provided, single submitter. Criteria: Ambry Variant Classification Scheme 2023. Collection method: clinical testing. Allele origin: germline.
Comment: The p.L427S variant (also known as c.1280T>C), located in coding exon 11 of the MRE11A gene, results from a T to C substitution at nucleotide position 1280. The leucine at codon 427 is replaced by serine, an amino acid with dissimilar properties. This amino acid position is well conserved in available vertebrate species. In addition, the in silico prediction for this alteration is inconclusive. Since supporting evidence is limited at this time, the clinical significance of this alteration remains unclear.

NM_005591.4(MRE11):c.1280T>C (p.Leu427Ser)

Gene: MRE11 (MRE11 double strand break repair nuclease; minus strand). Cytogenetic location: 11q21.
Variant type: single nucleotide variant.
Coding change: c.1280T>C on transcript NM_005591.4 (MANE Select); coding-DNA position 1280, T replaced by C.
Protein change: p.Leu427Ser; replaces leucine 427 with serine.
Molecular consequence: missense variant.
Genome position (GRCh38, 1-based): chr11:94,460,982, A>G on the plus strand (T>C on the coding strand, the complement: MRE11 is on the minus strand). VCF-style: chr11-94460982-A-G. GRCh37 (hg19) VCF-style: chr11-94194148-A-G.
Other names: c.1280T>C, p.Leu427Ser (NM_001330347.2, NM_005590.4); short protein forms L427S.
Identifiers: ClinVar variation 187070 (VCV000187070.12), dbSNP rs786203449, ClinGen allele CA196660.